The following is an entry in ClinVar:

NM_000540.3(RYR1):c.6408T>C (p.Arg2136=)

Gene: RYR1 (ryanodine receptor 1; plus strand). Cytogenetic location: 19q13.2.
Variant type: single nucleotide variant.
Coding change: c.6408T>C on transcript NM_000540.3 (MANE Select); coding-DNA position 6408, T replaced by C.
Protein change: p.Arg2136=; no amino-acid change (arginine 2136 retained).
Molecular consequence: synonymous variant.
Genome position (GRCh38, 1-based): chr19:38,494,485, T>C. VCF-style: chr19-38494485-T-C. GRCh37 (hg19) VCF-style: chr19-38985125-T-C.
Other names: c.6408T>C, p.Arg2136= (NM_001042723.2).
Identifiers: ClinVar variation 2649799 (VCV002649799.24), dbSNP rs2514275073, ClinGen allele CA507242178.

ClinVar aggregate classification (germline): Likely benign (1 of 4 stars; one submission).

Submission:

CeGaT Center for Human Genetics Tuebingen
Classification: Likely benign. Last evaluated: 2022-07-01. Review status: criteria provided, single submitter. Criteria: CeGaT Center For Human Genetics Tuebingen Variant Classification Criteria Version 2. Collection method: clinical testing. Allele origin: germline. Affected: yes. Observed: 1 variant allele.
Comment: RYR1: PM2:Supporting, BP4, BP7